The following is an entry in ClinVar:

NM_001365999.1(SZT2):c.8276T>C (p.Leu2759Pro)

Gene: SZT2 (SZT2 subunit of KICSTOR complex; plus strand). Cytogenetic location: 1p34.2.
Variant type: single nucleotide variant.
Coding change: c.8276T>C on transcript NM_001365999.1 (MANE Select); coding-DNA position 8276, T replaced by C.
Protein change: p.Leu2759Pro; replaces leucine 2759 with proline.
Molecular consequence: missense variant.
Genome position (GRCh38, 1-based): chr1:43,442,943, T>C. VCF-style: chr1-43442943-T-C. GRCh37 (hg19) VCF-style: chr1-43908614-T-C.
Other names: c.8105T>C, p.Leu2702Pro (NM_015284.4); short protein forms L2702P, L2759P.
Identifiers: ClinVar variation 2500095 (VCV002500095.1), dbSNP rs1436872998, ClinGen allele CA340038367.

ClinVar aggregate classification (germline): Uncertain significance (1 of 4 stars; one submission).

Conditions:
Developmental and epileptic encephalopathy, 18 (DEE18). Also called: Early infantile epileptic encephalopathy 18. Identifiers: Orphanet 369894, MedGen C3809624, MONDO:0014201, OMIM 615476.

Allele frequency attached by ClinVar (database versions not stated): TOPMed below 0.00001.

Submission:

Center for Genomics, Ann and Robert H. Lurie Children's Hospital of Chicago
Classification: Uncertain significance for Developmental and epileptic encephalopathy, 18. Last evaluated: 2022-09-15. Review status: criteria provided, single submitter. Criteria: ACMG Guidelines, 2015. Collection method: clinical testing. Allele origin: germline.
Comment: This variant has not been reported in the literature and is not present in large control databases. This variant is present in ClinVar (Variation ID:1304323). This variant amino acid Proline (Pro) is present in several species; this suggests that this variant may not impact the protein. Additional computational prediction tools do not suggest an impact. In summary, data on this variant is insufficient for disease classification. Therefore, the clinical significance of this variant is uncertain.